The following is an entry in ClinVar:

ClinVar aggregate classification (germline): Benign. Review status: criteria provided, multiple submitters, no conflicts (2 of 4 stars). 5 submissions from 5 submitters: Benign (5). Last evaluated 2026-02-04.

Conditions:
Developmental and epileptic encephalopathy, 34 (DEE34). Also called: Early infantile epileptic encephalopathy 34; SLC12A5-Related Epilepsy of Infancy with Migrating Focal Seizures. Identifiers: Orphanet 293181, MedGen C4225257, MONDO:0014718, OMIM 616645.

Allele frequency attached by ClinVar (database versions not stated): TOPMed 0.16521; ESP Exome Variant Server 0.16692; gnomAD 0.16926 and 0.17198; 1000 Genomes Project 30x 0.17005; 1000 Genomes Project 0.17292; ExAC 0.19689; gnomAD exomes 0.20060 and 0.21029.
gnomAD v4.1: 332,655 of 1,608,614 alleles (21%); highest among the groups gnomAD compares: East Asian, 32%; 36,534 homozygotes.

Submissions (5):

Labcorp Genetics (formerly Invitae), Labcorp
Classification: Benign for Developmental and epileptic encephalopathy, 34. Last evaluated: 2026-02-04. Review status: criteria provided, single submitter. Criteria: Invitae Variant Classification Sherloc (09022015). Collection method: clinical testing. Allele origin: germline.

Blueprint Genetics
Classification: Benign. Last evaluated: 2024-11-28. Review status: criteria provided, single submitter. Criteria: ACMG Guidelines, 2015. Collection method: clinical testing. Allele origin: germline.

Unidad de Genómica Garrahan, Hospital de Pediatría Garrahan
Classification: Benign. Last evaluated: 2024-07-15. Review status: criteria provided, single submitter. Criteria: ACMG Guidelines, 2015. Collection method: clinical testing. Allele origin: germline. Affected: no. Observed: 24 variant alleles.
Comment: This variant is classified as Benign based on local population frequency. This variant was detected in 26% of patients studied in a panel designed for Epileptic and Developmental Encephalopathy and Progressive Myoclonus Epilepsy. Number of patients: 24. Only high quality variants are reported.

Mayo Clinic Laboratories, Mayo Clinic
Classification: Benign. Last evaluated: 2021-11-29. Review status: criteria provided, single submitter. Criteria: ACMG Guidelines, 2015. Collection method: clinical testing. Allele origin: germline. Observed: 87 variant alleles.

Breakthrough Genomics
Classification: Benign. Review status: criteria provided, single submitter. Criteria: ACMG Guidelines, 2015. Collection method: not provided. Allele origin: germline. Inheritance: Autosomal recessive inheritance. Affected: yes.

NM_020708.5(SLC12A5):c.2280C>T (p.Ser760=)

Gene: SLC12A5 (solute carrier family 12 member 5; plus strand). Cytogenetic location: 20q13.12.
Variant type: single nucleotide variant.
Coding change: c.2280C>T on transcript NM_020708.5 (MANE Select); coding-DNA position 2280, C replaced by T.
Protein change: p.Ser760=; no amino-acid change (serine 760 retained).
Molecular consequence: synonymous variant.
Genome position (GRCh38, 1-based): chr20:46,051,773, C>T. VCF-style: chr20-46051773-C-T. GRCh37 (hg19) VCF-style: chr20-44680412-C-T.
Other names: p.Ser760=; c.2349C>T, p.Ser783= (NM_001134771.2).
Identifiers: ClinVar variation 1170109 (VCV001170109.14), dbSNP rs3746522, ClinGen allele CA9887563.
Genomic context (GRCh38, chr20:46,051,773, plus strand): 5'-CTTCTGCCAGGTGGTGATCTCCTCCAACTTGCGTGATGGCGTGTCCCATCTGATCCAGTC[C>T]GGGGGCCTCGGGGGGCTGCAGCACAACACTGTGCTTGTTGGCTGGCCCCGCAACTGGCGC-3'
Protein context (NP_065759.1, residues 750-770): LRDGVSHLIQ[Ser760=]GGLGGLQHNT